The following is an entry in ClinVar:

NM_001204.7(BMPR2):c.2376T>G (p.Asn792Lys)

Gene: BMPR2 (bone morphogenetic protein receptor type 2; plus strand). Cytogenetic location: 2q33.2.
Variant type: single nucleotide variant.
Coding change: c.2376T>G on transcript NM_001204.7 (MANE Select); coding-DNA position 2376, T replaced by G.
Protein change: p.Asn792Lys; replaces asparagine 792 with lysine.
Molecular consequence: missense variant.
Genome position (GRCh38, 1-based): chr2:202,556,041, T>G. VCF-style: chr2-202556041-T-G. GRCh37 (hg19) VCF-style: chr2-203420764-T-G.
Other names: short protein forms N792K.
Identifiers: ClinVar variation 4597830 (VCV004597830.1).

ClinVar aggregate classification (germline): Uncertain significance (1 of 4 stars; one submission).

Conditions:
Inborn genetic diseases. Identifiers: MedGen C0950123, MeSH D030342.

gnomAD v4.1: 1 of 1,614,144 alleles (0.000062%); highest among the groups gnomAD compares: Non-Finnish European, 0.000085%; no homozygotes.

Submission:

Ambry Genetics
Classification: Uncertain significance for Inborn genetic diseases. Last evaluated: 2025-11-20. Review status: criteria provided, single submitter. Criteria: Ambry Variant Classification Scheme 2023. Collection method: clinical testing. Allele origin: germline.
Comment: The p.N792K variant (also known as c.2376T>G), located in coding exon 12 of the BMPR2 gene, results from a T to G substitution at nucleotide position 2376. The asparagine at codon 792 is replaced by lysine, an amino acid with similar properties. This amino acid position is conserved. In addition, the in silico prediction for this alteration is inconclusive. Based on the available evidence, the clinical significance of this variant remains unclear.